The following is an entry in ClinVar:

NM_005732.4(RAD50):c.3425A>G (p.Glu1142Gly)

Genes: TH2-LCR (Th2 cytokine locus control region; plus strand), TH2LCRR (T helper type 2 locus control region associated RNA; minus strand), RAD50 (RAD50 double strand break repair protein; plus strand). Cytogenetic location: 5q31.1.
Variant type: single nucleotide variant.
Coding change: c.3425A>G on transcript NM_005732.4 (MANE Select); coding-DNA position 3425, A replaced by G.
Protein change: p.Glu1142Gly; replaces glutamic acid 1142 with glycine.
Molecular consequence: missense variant.
Genome position (GRCh38, 1-based): chr5:132,637,150, A>G. VCF-style: chr5-132637150-A-G. GRCh37 (hg19) VCF-style: chr5-131972842-A-G.
Other names: short protein forms E1142G.
Identifiers: ClinVar variation 1368576 (VCV001368576.8), dbSNP rs2149862723, ClinGen allele CA360930112.

ClinVar aggregate classification (germline): Uncertain significance (1 of 4 stars; one submission).

Conditions:
Hereditary cancer-predisposing syndrome. Also called: Neoplastic Syndromes, Hereditary; Tumor predisposition; Hereditary neoplastic syndrome; Hereditary Cancer Syndrome. Identifiers: Orphanet 140162, MedGen C0027672, MeSH D009386, MONDO:0015356.

Submission:

Labcorp Genetics (formerly Invitae), Labcorp
Classification: Uncertain significance for Hereditary cancer-predisposing syndrome. Last evaluated: 2021-07-19. Review status: criteria provided, single submitter. Criteria: Invitae Variant Classification Sherloc (09022015). Collection method: clinical testing. Allele origin: germline.
Comment: In summary, the available evidence is currently insufficient to determine the role of this variant in disease. Therefore, it has been classified as a Variant of Uncertain Significance. Algorithms developed to predict the effect of missense changes on protein structure and function are either unavailable or do not agree on the potential impact of this missense change (SIFT: "Tolerated"; PolyPhen-2: "Possibly Damaging"; Align-GVGD: "Class C0"). This variant has not been reported in the literature in individuals affected with RAD50-related conditions. This variant is not present in population databases (ExAC no frequency). This sequence change replaces glutamic acid with glycine at codon 1142 of the RAD50 protein (p.Glu1142Gly). The glutamic acid residue is moderately conserved and there is a moderate physicochemical difference between glutamic acid and glycine.